The following is an entry in ClinVar:

NM_001374736.1(DST):c.21237C>T (p.Thr7079=)

Gene: DST (dystonin; minus strand). Cytogenetic location: 6p12.1.
Variant type: single nucleotide variant.
Coding change: c.21237C>T on transcript NM_001374736.1 (MANE Select); coding-DNA position 21237, C replaced by T.
Protein change: p.Thr7079=; no amino-acid change (threonine 7079 retained).
Molecular consequence: synonymous variant.
Genome position (GRCh38, 1-based): chr6:56,482,848, G>A on the plus strand (C>T on the coding strand, the complement: DST is on the minus strand). VCF-style: chr6-56482848-G-A. GRCh37 (hg19) VCF-style: chr6-56347646-G-A.
Other names: c.14880C>T (NM_001144769.2); c.14880C>T, p.Thr4960= (NM_001144769.5); c.14466C>T, p.Thr4822= (NM_001144770.2); c.21237C>T, p.Thr7079= (NM_001374722.1); c.20277C>T, p.Thr6759= (NM_001374729.1); c.14019C>T, p.Thr4673= (NM_001374730.1); c.21264C>T, p.Thr7088= (NM_001374734.1); c.14346C>T, p.Thr4782= (NM_001386100.1, NM_183380.4); and 1 more.
Identifiers: ClinVar variation 1110912 (VCV001110912.10), dbSNP rs749307333, ClinGen allele CA3866549.

ClinVar aggregate classification (germline): Likely benign. Review status: criteria provided, multiple submitters, no conflicts (2 of 4 stars). 2 submissions from 2 submitters: Likely benign (2). Last evaluated 2025-09-25.

Conditions:
DST-related disorder. Also called: DST-related condition; DST-related disorders.
Epidermolysis bullosa simplex 3, localized or generalized intermediate, with BP230 deficiency (EBS3). Also called: Epidermolysis bullosa simplex, autosomal recessive 2; Epidermolysis bullosa simplex due to BP230 deficiency. Identifiers: Orphanet 412181, MedGen C3809470, MONDO:0014180, OMIM 615425.
Hereditary sensory and autonomic neuropathy type 6. Also called: Neuropathy, hereditary sensory and autonomic, type VI; HSAN VI. Identifiers: Orphanet 314381, MedGen C3539003, MONDO:0013839, OMIM 614653.

Allele frequency attached by ClinVar (database versions not stated): ExAC 0.00003; gnomAD exomes 0.00003 and 0.00008; TOPMed 0.00004; gnomAD 0.00006.
gnomAD v4.1: 126 of 1,574,632 alleles (0.008%); highest among the groups gnomAD compares: Non-Finnish European, 0.01%; no homozygotes.

Submissions (2):

PreventionGenetics, part of Exact Sciences
Classification: Likely benign for DST-related condition. Last evaluated: 2025-09-25. Review status: criteria provided, single submitter. Criteria: ACMG Guidelines, 2015. Collection method: clinical testing. Allele origin: germline.
Comment: This variant is classified as likely benign based on ACMG/AMP sequence variant interpretation guidelines (Richards et al. 2015 PMID: 25741868, with internal and published modifications).

Labcorp Genetics (formerly Invitae), Labcorp
Classification: Likely benign for Epidermolysis bullosa simplex 3, localized or generalized intermediate, with BP230 deficiency; Hereditary sensory and autonomic neuropathy type 6. Last evaluated: 2025-07-06. Review status: criteria provided, single submitter. Criteria: Invitae Variant Classification Sherloc (09022015). Collection method: clinical testing. Allele origin: germline.